The following is an entry in ClinVar:

ClinVar aggregate classification (germline): Uncertain significance (1 of 4 stars; one submission).

Allele frequency attached by ClinVar (database versions not stated): ExAC 0.00001.

Submission:

Labcorp Genetics (formerly Invitae), Labcorp
Classification: Uncertain significance. Last evaluated: 2022-12-14. Review status: criteria provided, single submitter. Criteria: Invitae Variant Classification Sherloc (09022015). Collection method: clinical testing. Allele origin: germline.
Comment: This sequence change replaces alanine, which is neutral and non-polar, with glutamic acid, which is acidic and polar, at codon 268 of the FOXA2 protein (p.Ala268Glu). The frequency data for this variant in the population databases is considered unreliable, as metrics indicate poor data quality at this position in the gnomAD database. This variant has not been reported in the literature in individuals affected with FOXA2-related conditions. Algorithms developed to predict the effect of missense changes on protein structure and function are either unavailable or do not agree on the potential impact of this missense change (SIFT: "Deleterious"; PolyPhen-2: "Benign"; Align-GVGD: "Class C0"). In summary, the available evidence is currently insufficient to determine the role of this variant in disease. Therefore, it has been classified as a Variant of Uncertain Significance.

NM_021784.5(FOXA2):c.803C>A (p.Ala268Glu)

Gene: FOXA2 (forkhead box A2; minus strand). Cytogenetic location: 20p11.21.
Variant type: single nucleotide variant.
Coding change: c.803C>A on transcript NM_021784.5 (MANE Select); coding-DNA position 803, C replaced by A.
Protein change: p.Ala268Glu; replaces alanine 268 with glutamic acid.
Molecular consequence: missense variant.
Genome position (GRCh38, 1-based): chr20:22,582,439, G>T on the plus strand (C>A on the coding strand, the complement: FOXA2 is on the minus strand). VCF-style: chr20-22582439-G-T. GRCh37 (hg19) VCF-style: chr20-22563077-G-T.
Other names: c.785C>A, p.Ala262Glu (NM_153675.3); short protein forms A268E, A262E.
Identifiers: ClinVar variation 2820733 (VCV002820733.3), dbSNP rs776381227, ClinGen allele CA9786965.
Genomic context (GRCh38, chr20:22,582,439, plus strand): 5'-GCCTGGGCTCCGGCGGCCGCCTTCTTGCCGCTGCCGGCGGCGCCTGCGGCCTCCTTCAGC[G>T]CCAGCTGCTTCTCGCACTTGAAGCGCTTCTGGCGGCGCAGGTAGCAGCCGTTCTCGAACA-3'
Protein context (NP_068556.2, residues 258-278): QKRFKCEKQL[Ala268Glu]LKEAAGAAGS